The following is an entry in ClinVar:

ClinVar aggregate classification (germline): Pathogenic. Review status: criteria provided, multiple submitters, no conflicts (2 of 4 stars). 2 submissions from 2 submitters: Pathogenic (2). Last evaluated 2025-07-23.

Conditions:
Lynch syndrome 4 (LYNCH4). Also called: Hereditary non-polyposis colorectal cancer, type 4; Colorectal cancer, hereditary nonpolyposis, type 4. Identifiers: Orphanet 144, MedGen C1838333, MONDO:0013699, OMIM 614337. Disease mechanism: loss of function.
Hereditary cancer-predisposing syndrome. Also called: Tumor predisposition; Hereditary neoplastic syndrome; Neoplastic Syndromes, Hereditary; Hereditary Cancer Syndrome. Identifiers: Orphanet 140162, MedGen C0027672, MeSH D009386, MONDO:0015356.

Allele frequency attached by ClinVar (database versions not stated): gnomAD exomes below 0.00001.

Submissions (2):

Myriad Genetics, Inc.
Classification: Pathogenic for Lynch syndrome 4. Last evaluated: 2025-07-23. Review status: criteria provided, single submitter. Criteria: Myriad Autosomal Dominant, Autosomal Recessive and X-Linked Classification Criteria (2023). Collection method: clinical testing. Allele origin: unknown.
Comment: This variant is considered pathogenic. This variant creates a frameshift predicted to result in premature protein truncation.

Ambry Genetics
Classification: Pathogenic for Hereditary cancer-predisposing syndrome. Last evaluated: 2018-01-12. Review status: criteria provided, single submitter. Criteria: Ambry Variant Classification Scheme 2023. Collection method: clinical testing. Allele origin: germline.
Comment: The c.1356dupT pathogenic mutation, located in coding exon 11 of the PMS2 gene, results from a duplication of T at nucleotide position 1356, causing a translational frameshift with a predicted alternate stop codon (p.M453Yfs*5). This alteration is expected to result in loss of function by premature protein truncation or nonsense-mediated mRNA decay. As such, this alteration is interpreted as a disease-causing mutation.

NM_000535.7(PMS2):c.1356dup (p.Met453fs)

Gene: PMS2 (PMS1 homolog 2, mismatch repair system component; minus strand). Cytogenetic location: 7p22.1.
Variant type: Duplication.
Coding change: c.1356dup on transcript NM_000535.7 (MANE Select); coding-DNA position 1356, one base duplicated (T; older notation c.1356dupT).
Protein change: p.Met453fs; shifts the reading frame from methionine 453.
Molecular consequence: frameshift variant. On other transcripts: non-coding transcript variant (1).
Genome position (GRCh38, 1-based): chr7:5,987,409, A duplicated on the plus strand (T on the coding strand, the reverse complement: PMS2 is on the minus strand). VCF-style (leftmost placement, unchanged base first): chr7-5987408-T-TA. GRCh37 (hg19) VCF-style: chr7-6027039-T-TA.
Other names: c.951dup, p.Met318fs (NM_001322003.2, NM_001322004.2, NM_001322005.2 and 1 more transcripts); c.1200dup, p.Met401fs (NM_001322006.2); c.1038dup, p.Met347fs (NM_001322007.2, NM_001322008.2); c.795dup, p.Met266fs (NM_001322010.2); c.423dup, p.Met142fs (NM_001322011.2, NM_001322012.2); c.783dup, p.Met262fs (NM_001322013.2); c.1356dup, p.Met453fs (NM_001322014.2); c.1047dup, p.Met350fs (NM_001322015.2); short protein forms M266fs, M350fs, M262fs, M318fs, M401fs, M142fs, M347fs, M453fs.
Identifiers: ClinVar variation 818995 (VCV000818995.5), dbSNP rs1583321194, ClinGen allele CA915944870.
Genomic context (GRCh38, chr7:5,987,408, plus strand): 5'-CTTTCTGAGGTCTCAGGACGCCTTTGTCAGAGATGGCACCTGAAGTGCTAGAAGACAGCA[T>TA]ACCCCTTTTCTGTCCTAGAGGGCTCCTTCTTGGTTCTGGAGTCTTTGGGCTGTGAGGCTT-3'